The following is an entry in ClinVar:

ClinVar aggregate classification (germline): Benign. Review status: criteria provided, multiple submitters, no conflicts (2 of 4 stars). 2 submissions from 2 submitters: Benign (2). Last evaluated 2018-06-16.

Allele frequency attached by ClinVar (database versions not stated): gnomAD exomes 0.00228 and 0.00619; ExAC 0.00787; gnomAD 0.02343 and 0.02481; ESP Exome Variant Server 0.02553; TOPMed 0.02570; 1000 Genomes Project 0.03055; 1000 Genomes Project 30x 0.03232.
gnomAD v4.1: 6,878 of 1,551,366 alleles (0.44%); highest among the groups gnomAD compares: African/African-American, 8.3%; 248 homozygotes.

Submissions (2):

GeneDx
Classification: Benign. Last evaluated: 2018-06-16. Review status: criteria provided, single submitter. Criteria: GeneDx Variant Classification (06012015). Collection method: clinical testing. Allele origin: germline. Affected: yes.
Comment: This variant is considered likely benign or benign based on one or more of the following criteria: it is a conservative change, it occurs at a poorly conserved position in the protein, it is predicted to be benign by multiple in silico algorithms, and/or has population frequency not consistent with disease.

Breakthrough Genomics
Classification: Benign. Review status: criteria provided, single submitter. Criteria: ACMG Guidelines, 2015. Collection method: not provided. Allele origin: germline. Inheritance: Autosomal recessive inheritance. Affected: yes.

NM_198999.3(SLC26A5):c.1515-44C>T

Gene: SLC26A5 (solute carrier family 26 member 5; minus strand). Cytogenetic location: 7q22.1.
Variant type: single nucleotide variant.
Coding change: c.1515-44C>T on transcript NM_198999.3 (MANE Select); 44 bases into the intron before coding-DNA position 1515, C replaced by T.
Molecular consequence: intron variant.
Genome position (GRCh38, 1-based): chr7:103,380,593, G>A on the plus strand (C>T on the coding strand, the complement: SLC26A5 is on the minus strand). VCF-style: chr7-103380593-G-A. GRCh37 (hg19) VCF-style: chr7-103021040-G-A.
Other names: c.971+17339C>T (NM_206885.3); c.1419-44C>T (NM_001321787.2, NM_001167962.2); c.1514+8415C>T (NM_206884.3); c.1515-44C>T (NM_206883.3).
Identifiers: ClinVar variation 676192 (VCV000676192.2), dbSNP rs72655395, ClinGen allele CA4419491.